The following is an entry in ClinVar:

ClinVar aggregate classification (germline): Likely pathogenic (1 of 4 stars; one submission).

Conditions:
Dilated cardiomyopathy 1O (CMD1O). Also called: CARDIOMYOPATHY, DILATED, WITH VENTRICULAR TACHYCARDIA. Identifiers: Orphanet 154, MedGen C1837839, MONDO:0012062, OMIM 608569.

gnomAD v4.1: 11 of 1,613,234 alleles (0.00068%); highest among the groups gnomAD compares: Admixed American, 0.0017%; no homozygotes.

Submission:

Labcorp Genetics (formerly Invitae), Labcorp
Classification: Likely pathogenic for Dilated cardiomyopathy 1O. Last evaluated: 2024-05-31. Review status: criteria provided, single submitter. Criteria: Invitae Variant Classification Sherloc (09022015). Collection method: clinical testing. Allele origin: germline.
Comment: This sequence change affects a donor splice site in intron 2 of the ABCC9 gene. It is expected to disrupt RNA splicing. Variants that disrupt the donor or acceptor splice site typically lead to a loss of protein function (PMID: 16199547), and loss-of-function variants in ABCC9 are known to be pathogenic (PMID: 31575858, 38217872). This variant is present in population databases (rs762907980, gnomAD 0.003%). This variant has not been reported in the literature in individuals affected with ABCC9-related conditions. Algorithms developed to predict the effect of sequence changes on RNA splicing suggest that this variant may disrupt the consensus splice site. In summary, the currently available evidence indicates that the variant is pathogenic, but additional data are needed to prove that conclusively. Therefore, this variant has been classified as Likely Pathogenic.

Literature cited by the submitters: PubMed 16199547; PubMed 31575858; PubMed 38217872.

NM_020297.4(ABCC9):c.284+1G>A

Gene: ABCC9 (ATP binding cassette subfamily C member 9; minus strand). Cytogenetic location: 12p12.1.
Variant type: single nucleotide variant.
Coding change: c.284+1G>A on transcript NM_020297.4 (MANE Select); the canonical splice donor site of the intron after coding-DNA position 284, G replaced by A.
Molecular consequence: splice donor variant.
Genome position (GRCh38, 1-based): chr12:21,933,781, C>T on the plus strand (G>A on the coding strand, the complement: ABCC9 is on the minus strand). VCF-style: chr12-21933781-C-T. GRCh37 (hg19) VCF-style: chr12-22086715-C-T.
Other names: c.-171+1G>A (NM_001377274.1); c.284+1G>A (NM_005691.4, NM_001377273.1).
Identifiers: ClinVar variation 3619840 (VCV003619840.2).
Genomic context (GRCh38, chr12:21,933,781, plus strand): 5'-TTGTGTAATCAATATACCCACTGGTATACTGCAGTGGTATTATTTAACTTAGATCACTTA[C>T]GAGTCTGAAACAATGCCTTCTGCTATTTCACAGACATGCACAAACAGGAGAGCGAATGTA-3'